The following is an entry in ClinVar:

NM_001377229.1(DISP1):c.1834A>C (p.Ser612Arg)

Gene: DISP1 (dispatched RND transporter family member 1; plus strand). Cytogenetic location: 1q41.
Variant type: single nucleotide variant.
Coding change: c.1834A>C on transcript NM_001377229.1 (MANE Select); coding-DNA position 1834, A replaced by C.
Protein change: p.Ser612Arg; replaces serine 612 with arginine.
Molecular consequence: missense variant.
Genome position (GRCh38, 1-based): chr1:223,003,231, A>C. VCF-style: chr1-223003231-A-C. GRCh37 (hg19) VCF-style: chr1-223176573-A-C.
Other names: c.1105A>C, p.Ser369Arg (NM_001350630.2); c.1834A>C, p.Ser612Arg (NM_001369594.1, NM_001377228.1, NM_032890.5); short protein forms S369R, S612R.
Identifiers: ClinVar variation 4011876 (VCV004011876.4).

ClinVar aggregate classification (germline): Uncertain significance. Review status: criteria provided, multiple submitters, no conflicts (2 of 4 stars). 3 submissions from 3 submitters: Uncertain significance (3). Last evaluated 2025-11-04.

Conditions:
Holoprosencephaly 10. Identifiers: MedGen C2675857, MONDO:0976262, OMIM 621143.

gnomAD v4.1: 6 of 1,614,236 alleles (0.00037%); highest among the groups gnomAD compares: East Asian, 0.011%; no homozygotes.

Submissions (3):

Labcorp Genetics (formerly Invitae), Labcorp
Classification: Uncertain significance. Last evaluated: 2025-11-04. Review status: criteria provided, single submitter. Criteria: Invitae Variant Classification Sherloc (09022015). Collection method: clinical testing. Allele origin: germline.
Comment: This sequence change replaces serine, which is neutral and polar, with arginine, which is basic and polar, at codon 612 of the DISP1 protein (p.Ser612Arg). This variant is present in population databases (rs533562350, gnomAD 0.03%). This variant has not been reported in the literature in individuals affected with DISP1-related conditions. ClinVar contains an entry for this variant (Variation ID: 4011876). An algorithm developed to predict the effect of missense changes on protein structure and function (PolyPhen-2) suggests that this variant is likely to be disruptive. In summary, the available evidence is currently insufficient to determine the role of this variant in disease. Therefore, it has been classified as a Variant of Uncertain Significance.

Ambry Genetics
Classification: Uncertain significance. Last evaluated: 2025-05-06. Review status: criteria provided, single submitter. Criteria: Ambry Variant Classification Scheme 2023. Collection method: clinical testing. Allele origin: germline.

Juno Genomics, Hangzhou Juno Genomics, Inc
Classification: Uncertain significance for Holoprosencephaly 10. Review status: criteria provided, single submitter. Criteria: ACMG Guidelines, 2015. Collection method: clinical testing. Allele origin: germline.
Comment: Missense variant in a gene that has a low rate of benign missense variation.;Multiple lines of computational evidence support a deleterious effect on the gene or gene product.;Absent from controls (or at extremely low frequency if recessive) in Genome Aggregation Database.